The following is an entry in ClinVar:

NM_000051.4(ATM):c.73-2A>G

Gene: ATM (ATM serine/threonine kinase; plus strand). Cytogenetic location: 11q22.3.
Variant type: single nucleotide variant.
Coding change: c.73-2A>G on transcript NM_000051.4 (MANE Select); the canonical splice acceptor site of the intron before coding-DNA position 73, A replaced by G.
Molecular consequence: splice acceptor variant.
Genome position (GRCh38, 1-based): chr11:108,227,774, A>G. VCF-style: chr11-108227774-A-G. GRCh37 (hg19) VCF-style: chr11-108098501-A-G.
Other names: c.73-2A>G (NM_000051.3, NM_001351834.2, NM_001351835.2 and 1 more transcripts).
Identifiers: ClinVar variation 2735738 (VCV002735738.4), dbSNP rs2135010378, ClinGen allele CA382519441.

ClinVar aggregate classification (germline): Pathogenic/Likely pathogenic. Review status: criteria provided, multiple submitters, no conflicts (2 of 4 stars). 2 submissions from 2 submitters: Pathogenic (1); Likely pathogenic (1). Last evaluated 2025-04-16.

Conditions:
Ataxia-telangiectasia syndrome (AT). Also called: Cerebello-oculocutaneous telangiectasia; Immunodeficiency with ataxia telangiectasia; Ataxia telangiectasia (A-T); Ataxia-telangiectasia, complementation group E; LOUIS-BAR SYNDROME; Ataxia-telangiectasia, complementation group D. Identifiers: Orphanet 100, MedGen C0004135, MONDO:0008840, OMIM 208900.
Hereditary cancer-predisposing syndrome. Also called: Hereditary neoplastic syndrome; Hereditary Cancer Syndrome; Neoplastic Syndromes, Hereditary; Tumor predisposition. Identifiers: Orphanet 140162, MedGen C0027672, MeSH D009386, MONDO:0015356.

Submissions (2):

Ambry Genetics
Classification: Likely pathogenic for Hereditary cancer-predisposing syndrome. Last evaluated: 2025-04-16. Review status: criteria provided, single submitter. Criteria: Ambry Variant Classification Scheme 2023. Collection method: clinical testing. Allele origin: germline.
Comment: The c.73-2A>G intronic variant results from an A to G substitution two nucleotides upstream from coding exon 2 in the ATM gene. This nucleotide position is highly conserved in available vertebrate species. In silico splice site analysis predicts that this alteration will weaken the native splice acceptor site and will result in the creation or strengthening of a novel splice acceptor site. RNA studies have demonstrated that this alteration results in abnormal splicing in the set of samples tested (Ambry internal data). Based on the majority of available evidence to date, this variant is likely to be pathogenic.

Labcorp Genetics (formerly Invitae), Labcorp
Classification: Pathogenic for Ataxia-telangiectasia syndrome. Last evaluated: 2023-12-28. Review status: criteria provided, single submitter. Criteria: Invitae Variant Classification Sherloc (09022015). Collection method: clinical testing. Allele origin: germline.
Comment: This sequence change affects an acceptor splice site in intron 2 of the ATM gene. It is expected to disrupt RNA splicing. Variants that disrupt the donor or acceptor splice site typically lead to a loss of protein function (PMID: 16199547), and loss-of-function variants in ATM are known to be pathogenic (PMID: 23807571, 25614872). This variant is not present in population databases (gnomAD no frequency). Disruption of this splice site has been observed in individual(s) with breast cancer and/or clinical features of ataxia-telangiectasia (PMID: 15390180, 28975465, 29665859). In at least one individual the data is consistent with being in trans (on the opposite chromosome) from a pathogenic variant. Algorithms developed to predict the effect of sequence changes on RNA splicing suggest that this variant may disrupt the consensus splice site. For these reasons, this variant has been classified as Pathogenic.

Literature cited by the submitters: PubMed 16199547 (cited by Labcorp Genetics (formerly Invitae), Labcorp); PubMed 23807571 (cited by Labcorp Genetics (formerly Invitae), Labcorp); PubMed 25614872 (cited by Labcorp Genetics (formerly Invitae), Labcorp); PubMed 15390180 (cited by Labcorp Genetics (formerly Invitae), Labcorp); PubMed 28975465 (cited by Labcorp Genetics (formerly Invitae), Labcorp); PubMed 29665859 (cited by Labcorp Genetics (formerly Invitae), Labcorp).